The following is an entry in ClinVar:

NM_152296.5(ATP1A3):c.657C>T (p.Pro219=)

Gene: ATP1A3 (ATPase Na+/K+ transporting subunit alpha 3; minus strand). Cytogenetic location: 19q13.2.
Variant type: single nucleotide variant.
Coding change: c.657C>T on transcript NM_152296.5 (MANE Select); coding-DNA position 657, C replaced by T.
Protein change: p.Pro219=; no amino-acid change (proline 219 retained).
Molecular consequence: synonymous variant.
Genome position (GRCh38, 1-based): chr19:41,985,373, G>A on the plus strand (C>T on the coding strand, the complement: ATP1A3 is on the minus strand). VCF-style: chr19-41985373-G-A. GRCh37 (hg19) VCF-style: chr19-42489525-G-A.
Other names: c.690C>T, p.Pro230= (NM_001256213.2); c.696C>T, p.Pro232= (NM_001256214.2); c.696C>T (NM_001256214.1).
Identifiers: ClinVar variation 702119 (VCV000702119.12), dbSNP rs181074193, ClinGen allele CA9467817.
Genomic context (GRCh38, chr19:41,985,373, plus strand): 5'-ACAGTTGGTGGAAAAGAAGGTGATGTTCCGAGTCTCCAAGGGGTTGTCGTGAGTGCAGTC[G>A]GGAGAGCGAGTCTGGGGCTCGGATTCGCCAGTCAGGGAGGAGTTGTCCACCTGGGGGTAG-3'
Protein context (NP_689509.1, residues 209-229): TGESEPQTRS[Pro219=]DCTHDNPLET

ClinVar aggregate classification (germline): Likely benign. Review status: criteria provided, multiple submitters, no conflicts (2 of 4 stars). 3 submissions from 3 submitters: Likely benign (2). 1 of the submissions does not count toward it. Last evaluated 2025-10-13.

Conditions:
ATP1A3-related disorder. Also called: ATP1A3-related disorders; ATP1A3-related condition. Identifiers: MedGen CN381097.
Dystonia 12 (DYT12). Also called: Rapid-Onset Dystonia-Parkinsonism (RDP); DYT-ATP1A3. Identifiers: Orphanet 71517, MedGen C1868681, MONDO:0007496, OMIM 128235.

Allele frequency attached by ClinVar (database versions not stated): gnomAD exomes 0.00001 and 0.00003; gnomAD 0.00002; ExAC 0.00004; TOPMed 0.00005.
gnomAD v4.1: 24 of 1,613,990 alleles (0.0015%); highest among the groups gnomAD compares: South Asian, 0.0088%; no homozygotes.

Submissions (3):

Labcorp Genetics (formerly Invitae), Labcorp
Classification: Likely benign for Dystonia 12. Last evaluated: 2025-10-13. Review status: criteria provided, single submitter. Criteria: Invitae Variant Classification Sherloc (09022015). Collection method: clinical testing. Allele origin: germline.

Blueprint Genetics
Classification: Likely benign. Last evaluated: 2020-06-30. Review status: criteria provided, single submitter. Criteria: ACMG Guidelines, 2015. Collection method: clinical testing. Allele origin: germline.

PreventionGenetics, part of Exact Sciences
Classification: Likely benign for ATP1A3-related condition. Last evaluated: 2019-03-19. Review status: no assertion criteria provided. Collection method: clinical testing. Allele origin: germline. Not counted in ClinVar's aggregate classification.
Comment: This variant is classified as likely benign based on ACMG/AMP sequence variant interpretation guidelines (Richards et al. 2015 PMID: 25741868, with internal and published modifications).